The following is an entry in ClinVar:

ClinVar aggregate classification (germline): Benign/Likely benign. Review status: criteria provided, multiple submitters, no conflicts (2 of 4 stars). 7 submissions from 7 submitters: Benign (3); Likely benign (2). 2 of the submissions do not count toward it. Last evaluated 2026-02-01.

Conditions:
DMD-related disorder. Also called: DMD-related condition.
Cardiovascular phenotype. Identifiers: MedGen CN230736.
Dystrophin deficiency.
Cardiomyopathy (CMYO). Also called: Cardiomyopathies. Identifiers: Orphanet 167848, MedGen C0878544, MONDO:0004994, HP:0001638. Inheritance: Various modes of inheritance.
Becker muscular dystrophy (BMD). Also called: Becker Muscular Dystrophy (BMD); MUSCULAR DYSTROPHY, PSEUDOHYPERTROPHIC PROGRESSIVE, BECKER TYPE. Identifiers: Orphanet 98895, MedGen C0917713, MONDO:0010311, OMIM 300376.
Duchenne muscular dystrophy (DMD). Also called: Duchenne Muscular Dystrophy (DMD); MUSCULAR DYSTROPHY, PSEUDOHYPERTROPHIC PROGRESSIVE, DUCHENNE TYPE. Identifiers: Orphanet 98896, MedGen C0013264, MONDO:0010679, OMIM 310200.

Allele frequency attached by ClinVar (database versions not stated): gnomAD 0.00033; TOPMed 0.00034; 1000 Genomes Project 0.00053; ESP Exome Variant Server 0.00057; 1000 Genomes Project 30x 0.00062.
gnomAD v4.1: 73 of 1,208,893 alleles (0.006%); highest among the groups gnomAD compares: African/African-American, 0.13%; no homozygotes.

Submissions (7):

Labcorp Genetics (formerly Invitae), Labcorp
Classification: Benign for Duchenne muscular dystrophy. Last evaluated: 2026-02-01. Review status: criteria provided, single submitter. Criteria: Invitae Variant Classification Sherloc (09022015). Collection method: clinical testing. Allele origin: germline.

Women's Health and Genetics/Laboratory Corporation of America, LabCorp
Classification: Benign. Last evaluated: 2024-03-12. Review status: criteria provided, single submitter. Criteria: LabCorp Variant Classification Summary - May 2015. Collection method: clinical testing. Allele origin: germline.

GeneDx
Classification: Benign. Last evaluated: 2020-04-24. Review status: criteria provided, single submitter. Criteria: GeneDx Variant Classification Process June 2021. Collection method: clinical testing. Allele origin: germline. Affected: yes.

Eurofins Ntd Llc (ga)
Classification: Likely benign. Last evaluated: 2018-03-15. Review status: criteria provided, single submitter. Criteria: EGL ClinVar v180209 classification definitions. Collection method: clinical testing. Allele origin: germline. Observed: 1 variant allele, 1 heterozygote.

Ambry Genetics
Classification: Likely benign for Cardiovascular phenotype. Last evaluated: 2016-02-01. Review status: criteria provided, single submitter. Criteria: Ambry Variant Classification Scheme 2023. Collection method: clinical testing. Allele origin: germline.

PreventionGenetics, part of Exact Sciences
Classification: Likely benign for DMD-related condition. Last evaluated: 2023-06-13. Review status: no assertion criteria provided. Collection method: clinical testing. Allele origin: germline. Not counted in ClinVar's aggregate classification.
Comment: This variant is classified as likely benign based on ACMG/AMP sequence variant interpretation guidelines (Richards et al. 2015 PMID: 25741868, with internal and published modifications).

Natera, Inc.
Classification: Likely benign for Becker muscular dystrophy; Cardiomyopathy; Duchenne muscular dystrophy; Dystrophin deficiency. Last evaluated: 2020-07-30. Review status: no assertion criteria provided. Collection method: clinical testing. Allele origin: germline. Not counted in ClinVar's aggregate classification.

NM_004006.3(DMD):c.10836C>T (p.Ser3612=)

Gene: DMD (dystrophin; minus strand). Cytogenetic location: Xp21.2.
Variant type: single nucleotide variant.
Coding change: c.10836C>T on transcript NM_004006.3 (MANE Select); coding-DNA position 10836, C replaced by T.
Protein change: p.Ser3612=; no amino-acid change (serine 3612 retained).
Molecular consequence: synonymous variant.
Genome position (GRCh38, 1-based): chrX:31,146,376, G>A on the plus strand (C>T on the coding strand, the complement: DMD is on the minus strand). VCF-style: chrX-31146376-G-A. GRCh37 (hg19) VCF-style: chrX-31164493-G-A.
Other names: c.10812C>T, p.Ser3604= (NM_000109.4); c.10824C>T, p.Ser3608= (NM_004009.3); c.10467C>T, p.Ser3489= (NM_004010.3); c.6813C>T, p.Ser2271= (NM_004011.4); c.6804C>T, p.Ser2268= (NM_004012.4); c.3456C>T, p.Ser1152= (NM_004013.3, NM_004021.3); c.2649C>T, p.Ser883= (NM_004014.3); c.1632C>T, p.Ser544= (NM_004015.3, NM_004016.3); and 3 more.
Identifiers: ClinVar variation 518897 (VCV000518897.24), dbSNP rs148590546, ClinGen allele CA10377522.
Genomic context (GRCh38, chrX:31,146,376, plus strand): 5'-AACCACTCGGAGCAGCATAGGCTGACTGCTGTCGGACCTCTGTAGAGAGGTAGAAGGAGA[G>A]GACACCGTTGTGCCATTCACTTTGGCCTCTGCCTGGGGCTAAGTCATCCAAAAGAAAACA-3'
Protein context (NP_003997.2, residues 3602-3622): AEAKVNGTTV[Ser3612=]SPSTSLQRSD